The following is an entry in ClinVar:

ClinVar aggregate classification (germline): Benign (0 of 4 stars; one submission).

Conditions:
KDM6B-related disorder. Also called: KDM6B-related condition.

Allele frequency attached by ClinVar (database versions not stated): ESP Exome Variant Server 0.04915; TOPMed 0.05995; ExAC 0.09520; 1000 Genomes Project 30x 0.10556; 1000 Genomes Project 0.11282.
gnomAD v4.1: 133,436 of 1,612,596 alleles (8.3%); highest among the groups gnomAD compares: East Asian, 37%; 8,032 homozygotes.

Submission:

PreventionGenetics, part of Exact Sciences
Classification: Benign for KDM6B-related condition. Last evaluated: 2019-09-16. Review status: no assertion criteria provided. Collection method: clinical testing. Allele origin: germline.
Comment: This variant is classified as benign based on ACMG/AMP sequence variant interpretation guidelines (Richards et al. 2015 PMID: 25741868, with internal and published modifications).

NM_001348716.2(KDM6B):c.1782C>A (p.Pro594=)

Gene: KDM6B (lysine demethylase 6B; plus strand). Cytogenetic location: 17p13.1.
Variant type: single nucleotide variant.
Coding change: c.1782C>A on transcript NM_001348716.2 (MANE Select); coding-DNA position 1782, C replaced by A.
Protein change: p.Pro594=; no amino-acid change (proline 594 retained).
Molecular consequence: synonymous variant.
Genome position (GRCh38, 1-based): chr17:7,848,070, C>A. VCF-style: chr17-7848070-C-A. GRCh37 (hg19) VCF-style: chr17-7751388-C-A.
Other names: c.1782C>A, p.Pro594= (NM_001080424.2).
Identifiers: ClinVar variation 3060545 (VCV003060545.2), dbSNP rs3744247, ClinGen allele CA8360733.